The following is an entry in ClinVar:

NM_000030.3(AGXT):c.1079G>A (p.Arg360Gln)

Gene: AGXT (alanine--glyoxylate aminotransferase; plus strand). Cytogenetic location: 2q37.3.
Variant type: single nucleotide variant.
Coding change: c.1079G>A on transcript NM_000030.3 (MANE Select); coding-DNA position 1079, G replaced by A.
Protein change: p.Arg360Gln; replaces arginine 360 with glutamine.
Molecular consequence: missense variant.
Genome position (GRCh38, 1-based): chr2:240,878,721, G>A. VCF-style: chr2-240878721-G-A. GRCh37 (hg19) VCF-style: chr2-241818138-G-A.
Other names: short protein forms R360Q.
Identifiers: ClinVar variation 204147 (VCV000204147.14), dbSNP rs180177161, ClinGen allele CA275783.

ClinVar aggregate classification (germline): Pathogenic/Likely pathogenic. Review status: criteria provided, multiple submitters, no conflicts (2 of 4 stars). 7 submissions from 7 submitters: Pathogenic (3); Likely pathogenic (1). 3 of the submissions do not count toward it. Last evaluated 2024-10-16.

Conditions:
Primary hyperoxaluria, type I (HP1). Also called: GLYCOLIC ACIDURIA; HEPATIC AGT DEFICIENCY; OXALOSIS I; Primary hyperoxaluria type 1. Identifiers: Orphanet 416, Orphanet 93598, MedGen C0268164, MONDO:0009823, OMIM 259900. Disease mechanism: loss of function.

Allele frequency attached by ClinVar (database versions not stated): gnomAD exomes 0.00001.
gnomAD v4.1: 16 of 1,560,348 alleles (0.001%); highest among the groups gnomAD compares: Non-Finnish European, 0.0013%; no homozygotes.

Submissions (7):

Natera, Inc.
Classification: Pathogenic for Primary hyperoxaluria type I. Last evaluated: 2024-10-16. Review status: criteria provided, single submitter. Criteria: Natera Variant Classification Schema (03/2026). Collection method: clinical testing. Allele origin: germline.
Comment: The c.1079G>A variant in AGXT is a missense variant predicted to cause substitution of arginine to glutamine at amino acid 360. This variant is rare in the general population with a frequency below the threshold expected for the associated phenotype(s). This variant has been observed in one or more individuals affected with the associated recessive disease, as either homozygous or compound heterozygous with a second variant (PMID: 27935012, 33721035, 25629080, 30341509). Additionally, this variant has been observed to segregate in affected family members (PMID: 27935012, 22287658). Functional studies show that this variant may disrupt protein function (PMID: 30341509). Computational prediction algorithms indicate this variant is likely to affect gene or protein function. Given the available evidence, this variant is classified as Pathogenic.

Labcorp Genetics (formerly Invitae), Labcorp
Classification: Pathogenic. Last evaluated: 2024-02-02. Review status: criteria provided, single submitter. Criteria: Invitae Variant Classification Sherloc (09022015). Collection method: clinical testing. Allele origin: germline.
Comment: This sequence change replaces arginine, which is basic and polar, with glutamine, which is neutral and polar, at codon 360 of the AGXT protein (p.Arg360Gln). The frequency data for this variant in the population databases is considered unreliable, as metrics indicate poor data quality at this position in the gnomAD database. This missense change has been observed in individuals with primary hyperoxaluria type I (PMID: 21705122, 27935012, 30341509, 33721035). ClinVar contains an entry for this variant (Variation ID: 204147). Advanced modeling of protein sequence and biophysical properties (such as structural, functional, and spatial information, amino acid conservation, physicochemical variation, residue mobility, and thermodynamic stability) performed at Invitae indicates that this missense variant is expected to disrupt AGXT protein function with a positive predictive value of 80%. Experimental studies have shown that this missense change affects AGXT function (PMID: 19479957, 30341509). This variant disrupts the p.Arg360 amino acid residue in AGXT. Other variant(s) that disrupt this residue have been observed in individuals with AGXT-related conditions (PMID: 25644115, 28893421), which suggests that this may be a clinically significant amino acid residue. For these reasons, this variant has been classified as Pathogenic.

Baylor Genetics
Classification: Likely pathogenic for Primary hyperoxaluria, type I. Last evaluated: 2024-01-03. Review status: criteria provided, single submitter. Criteria: ACMG Guidelines, 2015. Collection method: clinical testing. Allele origin: unknown.

Fulgent Genetics
Classification: Pathogenic for Primary hyperoxaluria, type I. Last evaluated: 2022-05-10. Review status: criteria provided, single submitter. Criteria: ACMG Guidelines, 2015. Collection method: clinical testing. Allele origin: unknown.

Counsyl
Classification: Likely pathogenic for Primary hyperoxaluria, type I. Last evaluated: 2018-02-08. Review status: no assertion criteria provided. Collection method: clinical testing. Allele origin: unknown. Not counted in ClinVar's aggregate classification.

Clinical Biochemistry Laboratory, Health Services Laboratory
Classification: Pathogenic for Primary hyperoxaluria, type I. Last evaluated: 2014-11-27. Review status: no assertion criteria provided. Collection method: in vitro. Allele origin: germline. Affected: yes. Not counted in ClinVar's aggregate classification.

Yan Lab, Department of Urology, Pediatric Urolith Center, National Clinical Research Center for Child Health, The Children’s Hospital of Zhejiang University School of Medicine
Classification: Pathogenic for Primary hyperoxaluria, type I. Review status: no assertion criteria provided. Collection method: research. Allele origin: germline. Affected: no. Not counted in ClinVar's aggregate classification.

Literature cited by the submitters: PubMed 27935012 (cited by 3 submitters); PubMed 33721035 (cited by Natera, Inc. and Labcorp Genetics (formerly Invitae), Labcorp); PubMed 25629080 (cited by Natera, Inc. and Counsyl); PubMed 30341509 (cited by Natera, Inc. and Labcorp Genetics (formerly Invitae), Labcorp); PubMed 22287658 (cited by Natera, Inc.); PubMed 21705122 (cited by Labcorp Genetics (formerly Invitae), Labcorp and Counsyl); PubMed 19479957 (cited by 3 submitters); PubMed 25644115 (cited by Labcorp Genetics (formerly Invitae), Labcorp); PubMed 28893421 (cited by Labcorp Genetics (formerly Invitae), Labcorp); PubMed 24988064 (cited by Counsyl).